The following is an entry in ClinVar:

ClinVar aggregate classification (germline): Uncertain significance (1 of 4 stars; one submission).

Conditions:
Congenital myasthenic syndrome 8. Also called: MYASTHENIC SYNDROME, CONGENITAL, DUE TO AGRIN DEFICIENCY; Myasthenic syndrome, congenital, 8, with pre- and postsynaptic defects. Identifiers: Orphanet 590, MedGen C3808739, MONDO:0014052, OMIM 615120.

Allele frequency attached by ClinVar (database versions not stated): gnomAD 0.00003; TOPMed 0.00003.
gnomAD v4.1: 88 of 1,604,678 alleles (0.0055%); highest among the groups gnomAD compares: Non-Finnish European, 0.0071%; no homozygotes.

Submission:

Labcorp Genetics (formerly Invitae), Labcorp
Classification: Uncertain significance for Congenital myasthenic syndrome 8. Last evaluated: 2023-11-27. Review status: criteria provided, single submitter. Criteria: Invitae Variant Classification Sherloc (09022015). Collection method: clinical testing. Allele origin: germline.
Comment: This sequence change replaces serine, which is neutral and polar, with leucine, which is neutral and non-polar, at codon 495 of the AGRN protein (p.Ser495Leu). This variant is present in population databases (rs753280577, gnomAD 0.004%). This variant has not been reported in the literature in individuals affected with AGRN-related conditions. ClinVar contains an entry for this variant (Variation ID: 939042). An algorithm developed to predict the effect of missense changes on protein structure and function (PolyPhen-2) suggests that this variant is likely to be disruptive. In summary, the available evidence is currently insufficient to determine the role of this variant in disease. Therefore, it has been classified as a Variant of Uncertain Significance.

NM_198576.4(AGRN):c.1484C>T (p.Ser495Leu)

Gene: AGRN (agrin; plus strand). Cytogenetic location: 1p36.33.
Variant type: single nucleotide variant.
Coding change: c.1484C>T on transcript NM_198576.4 (MANE Select); coding-DNA position 1484, C replaced by T.
Protein change: p.Ser495Leu; replaces serine 495 with leucine.
Molecular consequence: missense variant.
Genome position (GRCh38, 1-based): chr1:1,043,338, C>T. VCF-style: chr1-1043338-C-T. GRCh37 (hg19) VCF-style: chr1-978718-C-T.
Other names: c.1484C>T, p.Ser495Leu (NM_001305275.2); c.1169C>T, p.Ser390Leu (NM_001364727.2); short protein forms S390L, S495L.
Identifiers: ClinVar variation 939042 (VCV000939042.4), dbSNP rs753280577, ClinGen allele CA508197.